The following is an entry in ClinVar:

NM_000444.6(PHEX):c.2044C>T (p.Gln682Ter)

Genes: PHEX (phosphate regulating endopeptidase X-linked; plus strand), PTCHD1-AS (PTCHD1 and PHEX antisense RNA; minus strand). Cytogenetic location: Xp22.11.
Variant type: single nucleotide variant.
Coding change: c.2044C>T on transcript NM_000444.6 (MANE Select); coding-DNA position 2044, C replaced by T.
Protein change: p.Gln682Ter; replaces glutamine 682 with a stop codon.
Molecular consequence: nonsense. On other transcripts: non-coding transcript variant (1).
Genome position (GRCh38, 1-based): chrX:22,227,585, C>T. VCF-style: chrX-22227585-C-T. GRCh37 (hg19) VCF-style: chrX-22245702-C-T.
Other names: c.2044C>T, p.Gln682Ter (NM_001282754.2); short protein forms Q682*.
Identifiers: ClinVar variation 438535 (VCV000438535.12), dbSNP rs1556151545, ClinGen allele CA412574455.

ClinVar aggregate classification (germline): Pathogenic. Review status: criteria provided, multiple submitters, no conflicts (2 of 4 stars). 2 submissions from 2 submitters: Pathogenic (2). Last evaluated 2019-04-09.

Conditions:
Familial X-linked hypophosphatemic vitamin D refractory rickets (XLHRD). Also called: X-Linked Hypophosphatemia; Hypophosphatemic Rickets, X-Linked Dominant; HYPOPHOSPHATEMIC VITAMIN D-RESISTANT RICKETS; Hypophosphatemia, vitamin D-resistant rickets; Vitamin D-resistant rickets, X-linked. Identifiers: Orphanet 89936, MedGen C0733682, MONDO:0010619, OMIM 307800.

Submissions (2):

Labcorp Genetics (formerly Invitae), Labcorp
Classification: Pathogenic. Last evaluated: 2019-04-09. Review status: criteria provided, single submitter. Criteria: Invitae Variant Classification Sherloc (09022015). Collection method: clinical testing. Allele origin: germline.
Comment: For these reasons, this variant has been classified as Pathogenic. Loss-of-function variants in PHEX are known to be pathogenic (PMID: 9097956, 9106524, 19219621). ClinVar contains an entry for this variant (Variation ID: 438535). This variant is not present in population databases (ExAC no frequency). This sequence change creates a premature translational stop signal (p.Gln682*) in the PHEX gene. It is expected to result in an absent or disrupted protein product.

Institute of Human Genetics Munich, TUM University Hospital
Classification: Pathogenic for Familial X-linked hypophosphatemic vitamin D refractory rickets. Last evaluated: 2013-11-06. Review status: criteria provided, single submitter. Criteria: Classification criteria August 2017. Collection method: clinical testing. Allele origin: germline. Inheritance: X-linked inheritance. Affected: yes. Observed: 1 heterozygote.

Literature cited by the submitters: PubMed 9097956 (cited by Labcorp Genetics (formerly Invitae), Labcorp); PubMed 9106524 (cited by Labcorp Genetics (formerly Invitae), Labcorp); PubMed 19219621 (cited by Labcorp Genetics (formerly Invitae), Labcorp).